The following is an entry in ClinVar:

ClinVar aggregate classification (germline): Pathogenic (1 of 4 stars; one submission).

Conditions:
Cardiovascular phenotype. Identifiers: MedGen CN230736.
Hereditary cancer-predisposing syndrome. Also called: Tumor predisposition; Hereditary neoplastic syndrome; Hereditary Cancer Syndrome; Neoplastic Syndromes, Hereditary. Identifiers: Orphanet 140162, MedGen C0027672, MeSH D009386, MONDO:0015356.

Submission:

Ambry Genetics
Classification: Pathogenic for Cardiovascular phenotype; Hereditary cancer-predisposing syndrome. Last evaluated: 2025-03-27. Review status: criteria provided, single submitter. Criteria: Ambry Variant Classification Scheme 2023. Collection method: clinical testing. Allele origin: germline.
Comment: The c.2021_2022delACinsG pathogenic mutation, located in coding exon 17 of the LZTR1 gene, results from the deletion of two nucleotides and insertion of one nucleotide causing a translational frameshift with a predicted alternate stop codon (p.D674Gfs*33). This alteration is expected to result in loss of function by premature protein truncation or nonsense-mediated mRNA decay. This variant is considered to be rare based on population cohorts in the Genome Aggregation Database (gnomAD). Loss-of-function variants in LZTR1 are related to an increased risk for schwannomas and autosomal recessive Noonan syndrome; however, such associations with autosomal dominant Noonan syndrome have not been observed (Piotrowski A et al. Nat Genet. 2014 Feb;46:182-7; Yamamoto GL et al. J Med Genet. 2015 Jun;52:413-21; Johnston JJ et al. Genet Med. 2018 10;20:1175-1185). Based on the supporting evidence, this variant is pathogenic for an increased risk of LZTR1-related schwannomatosis (SWN) and would be expected to cause autosomal recessive Noonan syndrome when present along with a second pathogenic or likely pathogenic variant on the other allele; however, the association of this alteration with autosomal dominant Noonan syndrome is unlikely.

NM_006767.4(LZTR1):c.2021_2022delinsG (p.Asp674fs)

Gene: LZTR1 (leucine zipper like post translational regulator 1; plus strand). Cytogenetic location: 22q11.21.
Variant type: Indel.
Coding change: c.2021_2022delinsG on transcript NM_006767.4 (MANE Select); coding-DNA positions 2021 to 2022, AC replaced by G.
Protein change: p.Asp674fs; shifts the reading frame from aspartic acid 674.
Molecular consequence: frameshift variant.
Genome position (GRCh38, 1-based): chr22:20,995,824-20,995,825, AC replaced by G. VCF-style: chr22-20995824-AC-G. GRCh37 (hg19) VCF-style: chr22-21350113-AC-G.
Other names: short protein forms D674fs.
Identifiers: ClinVar variation 3969969 (VCV003969969.1).